The following is an entry in ClinVar:

ClinVar aggregate classification (germline): Uncertain significance (1 of 4 stars; one submission).

Allele frequency attached by ClinVar (database versions not stated): TOPMed 0.00005; gnomAD 0.00001.
gnomAD v4.1: 4 of 1,612,768 alleles (0.00025%); highest among the groups gnomAD compares: African/African-American, 0.004%; no homozygotes.

Submission:

Labcorp Genetics (formerly Invitae), Labcorp
Classification: Uncertain significance. Last evaluated: 2022-06-29. Review status: criteria provided, single submitter. Criteria: Invitae Variant Classification Sherloc (09022015). Collection method: clinical testing. Allele origin: germline.
Comment: In summary, the available evidence is currently insufficient to determine the role of this variant in disease. Therefore, it has been classified as a Variant of Uncertain Significance. Algorithms developed to predict the effect of missense changes on protein structure and function are either unavailable or do not agree on the potential impact of this missense change (SIFT: "Deleterious"; PolyPhen-2: "Not Available"; Align-GVGD: "Class C0"). This variant has not been reported in the literature in individuals affected with PCLO-related conditions. This variant is present in population databases (no rsID available, gnomAD 0.007%). This sequence change replaces aspartic acid, which is acidic and polar, with tyrosine, which is neutral and polar, at codon 4460 of the PCLO protein (p.Asp4460Tyr).

NM_033026.6(PCLO):c.13378G>T (p.Asp4460Tyr)

Gene: PCLO (piccolo presynaptic cytomatrix protein; minus strand). Cytogenetic location: 7q21.11.
Variant type: single nucleotide variant.
Coding change: c.13378G>T on transcript NM_033026.6 (MANE Select); coding-DNA position 13378, G replaced by T.
Protein change: p.Asp4460Tyr; replaces aspartic acid 4460 with tyrosine.
Molecular consequence: missense variant.
Genome position (GRCh38, 1-based): chr7:82,908,936, C>A on the plus strand (G>T on the coding strand, the complement: PCLO is on the minus strand). VCF-style: chr7-82908936-C-A. GRCh37 (hg19) VCF-style: chr7-82538252-C-A.
Other names: c.13378G>T, p.Asp4460Tyr (NM_014510.3); short protein forms D4460Y.
Identifiers: ClinVar variation 1907990 (VCV001907990.5), dbSNP rs1043350967, ClinGen allele CA161118047.